The following is an entry in ClinVar:

NM_006269.2(RP1):c.301G>A (p.Gly101Ser)

Gene: RP1 (RP1 axonemal microtubule associated; plus strand). Cytogenetic location: 8q12.1.
Variant type: single nucleotide variant.
Coding change: c.301G>A on transcript NM_006269.2 (MANE Select); coding-DNA position 301, G replaced by A.
Protein change: p.Gly101Ser; replaces glycine 101 with serine.
Molecular consequence: missense variant.
Genome position (GRCh38, 1-based): chr8:54,621,267, G>A. VCF-style: chr8-54621267-G-A. GRCh37 (hg19) VCF-style: chr8-55533827-G-A.
Other names: c.301G>A, p.Gly101Ser (NM_001375654.1); short protein forms G101S.
Identifiers: ClinVar variation 3608400 (VCV003608400.2).
Genomic context (GRCh38, chr8:54,621,267, plus strand): 5'-AGGAACATCAGCACCCCTCGGGGCAGGCACAGCATCACGCGCCTGGAGGAGCTGGAGGAC[G>A]GCGAGTCCTACCTATGTTCCCACGGCAGGAAGGTGCAGCCTGTAGACCTGGACAAAGCCC-3'
Protein context (NP_006260.1, residues 91-111): SITRLEELED[Gly101Ser]ESYLCSHGRK

ClinVar aggregate classification (germline): Uncertain significance (1 of 4 stars; one submission).

gnomAD v4.1: 4 of 1,613,952 alleles (0.00025%); highest among the groups gnomAD compares: Non-Finnish European, 0.00034%; no homozygotes.

Submission:

Labcorp Genetics (formerly Invitae), Labcorp
Classification: Uncertain significance. Last evaluated: 2025-08-04. Review status: criteria provided, single submitter. Criteria: Invitae Variant Classification Sherloc (09022015). Collection method: clinical testing. Allele origin: germline.
Comment: This sequence change replaces glycine, which is neutral and non-polar, with serine, which is neutral and polar, at codon 101 of the RP1 protein (p.Gly101Ser). This variant is present in population databases (rs762821563, gnomAD 0.002%). This variant has not been reported in the literature in individuals affected with RP1-related conditions. ClinVar contains an entry for this variant (Variation ID: 3608400). An algorithm developed to predict the effect of missense changes on protein structure and function (PolyPhen-2) suggests that this variant is likely to be disruptive. In summary, the available evidence is currently insufficient to determine the role of this variant in disease. Therefore, it has been classified as a Variant of Uncertain Significance.